The following is an entry in ClinVar:

NM_002473.6(MYH9):c.2405G>A (p.Arg802Gln)

Gene: MYH9 (myosin heavy chain 9; minus strand). Cytogenetic location: 22q12.3.
Variant type: single nucleotide variant.
Coding change: c.2405G>A on transcript NM_002473.6 (MANE Select); coding-DNA position 2405, G replaced by A.
Protein change: p.Arg802Gln; replaces arginine 802 with glutamine.
Molecular consequence: missense variant.
Genome position (GRCh38, 1-based): chr22:36,302,662, C>T on the plus strand (G>A on the coding strand, the complement: MYH9 is on the minus strand). VCF-style: chr22-36302662-C-T. GRCh37 (hg19) VCF-style: chr22-36698708-C-T.
Other names: c.2405G>A (NM_002473.5); short protein forms R802Q.
Identifiers: ClinVar variation 1511271 (VCV001511271.11), dbSNP rs765414397, ClinGen allele CA10209964.
Genomic context (GRCh38, chr22:36,302,662, plus strand): 5'-AGCTTCAGGTAGGCAGCGCAGTTCCGCTGGAGGACCTTCATGGCGGTAAGCTGCTGCTGC[C>T]GCTTGGCAAATGCTCTGTGTGGTGAGGAACATGGTCAGCGCGGAGCAGTGGACAGCAGAC-3'
Protein context (NP_002464.1, residues 792-812): GYLARKAFAK[Arg802Gln]QQQLTAMKVL

ClinVar aggregate classification (germline): Uncertain significance. Review status: criteria provided, multiple submitters, no conflicts (2 of 4 stars). 5 submissions from 5 submitters: Uncertain significance (5). Last evaluated 2023-08-15.

Conditions:
Autosomal dominant nonsyndromic hearing loss 17. Also called: Deafness, autosomal dominant 17; Autosomal dominant nonsyndromic deafness 17. Identifiers: Orphanet 90635, MedGen C1863659, MONDO:0011350, OMIM 603622.
Macrothrombocytopenia and granulocyte inclusions with or without nephritis or sensorineural hearing loss (MATINS). Also called: MAY-HEGGLIN ANOMALY; SEBASTIAN PLATELET SYNDROME; MACROTHROMBOCYTOPENIA WITH DISPERSED LEUKOCYTIC INCLUSIONS; MACROTHROMBOCYTOPENIA, NEPHRITIS, AND DEAFNESS; MACROTHROMBOCYTOPENIA, NEPHRITIS, DEAFNESS, AND LEUKOCYTE INCLUSIONS; ALPORT SYNDROME WITH MACROTHROMBOCYTOPENIA. Identifiers: Orphanet 182050, MedGen C5200934, MONDO:0015912, OMIM 155100.
MYH9-related disorder. Identifiers: MedGen C1854520.

Allele frequency attached by ClinVar (database versions not stated): ExAC 0.00001; gnomAD exomes 0.00001.
gnomAD v4.1: 6 of 1,613,228 alleles (0.00037%); highest among the groups gnomAD compares: Admixed American, 0.0017%; no homozygotes.

Submissions (5):

Women's Health and Genetics/Laboratory Corporation of America, LabCorp
Classification: Uncertain significance. Last evaluated: 2023-08-15. Review status: criteria provided, single submitter. Criteria: LabCorp Variant Classification Summary - May 2015. Collection method: clinical testing. Allele origin: germline.
Comment: Variant summary: MYH9 c.2405G>A (p.Arg802Gln) results in a conservative amino acid change located in the IQ motif, EF-hand binding site (IPR000048) of the encoded protein sequence. Four of five in-silico tools predict a benign effect of the variant on protein function. The variant allele was found at a frequency of 1.2e-05 in 250700 control chromosomes. The available data on variant occurrences in the general population are insufficient to allow any conclusion about variant significance. c.2405G>A has been reported in the literature in at least one individual with autosomal recessive nonsyndromic hearing loss (e.g. Sommen_2016). However, this report does not provide unequivocal conclusions about association of the variant with Macrothrombocytopenia And Granulocyte Inclusions With Or Without Nephritis Or Sensorineural Hearing Loss. To our knowledge, no experimental evidence demonstrating an impact on protein function has been reported. The following publication has been ascertained in the context of this evaluation (PMID: 27068579). One submitter has cited clinical-significance assessments for this variant to ClinVar after 2014 and has classified the variant as uncertain significance. Based on the evidence outlined above, the variant was classified as uncertain significance.

PreventionGenetics, part of Exact Sciences
Classification: Uncertain significance for MYH9-related condition. Last evaluated: 2022-12-20. Review status: criteria provided, single submitter. Criteria: ACMG Guidelines, 2015. Collection method: clinical testing. Allele origin: germline.
Comment: The MYH9 c.2405G>A variant is predicted to result in the amino acid substitution p.Arg802Gln. This variant was reported in an individual with non-syndromic hearing loss (Table S1 - Sommen et al. 2016. PubMed ID: 27068579); however, no evidence was provided to support its pathogenicity. Additionally, a different missense variant affecting this amino acid (p.Arg802Gln) has been reported in individuals with steroid-resistant nephrotic syndrome (Li et al. 2019. PubMed ID: 30712057) and hearing loss (Table S2 - Miyagawa et al. 2013. PubMed ID: 23967202). This variant is reported in 0.0065% of alleles in individuals of South Asian descent in gnomAD. Although we suspect this variant could be pathogenic, at this time, the clinical significance of this variant is uncertain due to the absence of conclusive functional and genetic evidence.

Labcorp Genetics (formerly Invitae), Labcorp
Classification: Uncertain significance. Last evaluated: 2022-10-25. Review status: criteria provided, single submitter. Criteria: Invitae Variant Classification Sherloc (09022015). Collection method: clinical testing. Allele origin: germline.
Comment: This sequence change replaces arginine, which is basic and polar, with glutamine, which is neutral and polar, at codon 802 of the MYH9 protein (p.Arg802Gln). This variant is present in population databases (rs765414397, gnomAD 0.006%). This missense change has been observed in individual(s) with hearing loss (PMID: 27068579). ClinVar contains an entry for this variant (Variation ID: 1511271). Advanced modeling of protein sequence and biophysical properties (such as structural, functional, and spatial information, amino acid conservation, physicochemical variation, residue mobility, and thermodynamic stability) performed at Invitae indicates that this missense variant is not expected to disrupt MYH9 protein function. In summary, the available evidence is currently insufficient to determine the role of this variant in disease. Therefore, it has been classified as a Variant of Uncertain Significance.

Department of Pathology and Laboratory Medicine, Sinai Health System
Classification: Uncertain significance for Macrothrombocytopenia and granulocyte inclusions with or without nephritis or sensorineural hearing loss; Autosomal dominant nonsyndromic hearing loss 17. Last evaluated: 2021-07-30. Review status: criteria provided, single submitter. Criteria: ACMG Guidelines, 2015. Collection method: research. Allele origin: germline.

Blueprint Genetics
Classification: Uncertain significance. Last evaluated: 2020-11-26. Review status: criteria provided, single submitter. Criteria: ACMG Guidelines, 2015. Collection method: clinical testing. Allele origin: germline.

Literature cited by the submitters: PubMed 27068579 (cited by Women's Health and Genetics/Laboratory Corporation of America, LabCorp and Labcorp Genetics (formerly Invitae), Labcorp).